The following is an entry in ClinVar:

NM_001453.3(FOXC1):c.673G>A (p.Asp225Asn)

Gene: FOXC1 (forkhead box C1; plus strand). Cytogenetic location: 6p25.3.
Variant type: single nucleotide variant.
Coding change: c.673G>A on transcript NM_001453.3 (MANE Select); coding-DNA position 673, G replaced by A.
Protein change: p.Asp225Asn; replaces aspartic acid 225 with asparagine.
Molecular consequence: missense variant.
Genome position (GRCh38, 1-based): chr6:1,611,118, G>A. VCF-style: chr6-1611118-G-A. GRCh37 (hg19) VCF-style: chr6-1611353-G-A.
Other names: c.673G>A (NM_001453.2); short protein forms D225N.
Identifiers: ClinVar variation 1364067 (VCV001364067.9), dbSNP rs747618420, ClinGen allele CA3614803.

ClinVar aggregate classification (germline): Uncertain significance. Review status: criteria provided, multiple submitters, no conflicts (2 of 4 stars). 2 submissions from 2 submitters: Uncertain significance (2). Last evaluated 2023-05-17.

Conditions:
Axenfeld-Rieger syndrome type 3 (RIEG3). Also called: AXENFELD-RIEGER ANOMALY WITH CARDIAC DEFECTS AND/OR SENSORINEURAL HEARING LOSS. Identifiers: Orphanet 782, MedGen C2678503, MONDO:0011233, OMIM 602482.
Inborn genetic diseases. Identifiers: MedGen C0950123, MeSH D030342.

Allele frequency attached by ClinVar (database versions not stated): gnomAD exomes below 0.00001 and 0.00001; TOPMed 0.00001; ExAC 0.00010.

Submissions (2):

Ambry Genetics
Classification: Uncertain significance for Inborn genetic diseases. Last evaluated: 2023-05-17. Review status: criteria provided, single submitter. Criteria: Ambry Variant Classification Scheme 2023. Collection method: clinical testing. Allele origin: germline.

Labcorp Genetics (formerly Invitae), Labcorp
Classification: Uncertain significance for Axenfeld-Rieger syndrome type 3. Last evaluated: 2021-04-30. Review status: criteria provided, single submitter. Criteria: Invitae Variant Classification Sherloc (09022015). Collection method: clinical testing. Allele origin: germline.
Comment: In summary, the available evidence is currently insufficient to determine the role of this variant in disease. Therefore, it has been classified as a Variant of Uncertain Significance. Algorithms developed to predict the effect of missense changes on protein structure and function are either unavailable or do not agree on the potential impact of this missense change (SIFT: "Deleterious"; PolyPhen-2: "Possibly Damaging"; Align-GVGD: "Class C15"). This variant has not been reported in the literature in individuals with FOXC1-related conditions. While this variant is present in population databases (rs747618420), the frequency information is unreliable, as metrics indicate poor data quality at this position in the ExAC database. This sequence change replaces aspartic acid with asparagine at codon 225 of the FOXC1 protein (p.Asp225Asn). The aspartic acid residue is highly conserved and there is a small physicochemical difference between aspartic acid and asparagine.